The following is an entry in ClinVar:

NM_013275.6(ANKRD11):c.1590C>T (p.Ala530=)

Gene: ANKRD11 (ankyrin repeat domain 11; minus strand). Cytogenetic location: 16q24.3.
Variant type: single nucleotide variant.
Coding change: c.1590C>T on transcript NM_013275.6 (MANE Select); coding-DNA position 1590, C replaced by T.
Protein change: p.Ala530=; no amino-acid change (alanine 530 retained).
Molecular consequence: synonymous variant.
Genome position (GRCh38, 1-based): chr16:89,284,952, G>A on the plus strand (C>T on the coding strand, the complement: ANKRD11 is on the minus strand). VCF-style: chr16-89284952-G-A. GRCh37 (hg19) VCF-style: chr16-89351360-G-A.
Other names: c.1590C>T, p.Ala530= (NM_001256182.2, NM_001256183.2).
Identifiers: ClinVar variation 1620236 (VCV001620236.22), dbSNP rs370951586, ClinGen allele CA8242737.
Genomic context (GRCh38, chr16:89,284,952, plus strand): 5'-ATTGTCTGTCCGCCAGTGCTTGGTGTGCTGGTCTGTGTGGCTGGGGTTCTGCTTCTGGGC[G>A]GCAGAGCTCCCGTGAGACGAGGTGGAGGAGGCAGAGAGGGAGCTGAACAGGGAGGGGTCC-3'
Protein context (NP_037407.4, residues 520-540): ASSTSSHGSS[Ala530=]AQKQNPSHTD

ClinVar aggregate classification (germline): Likely benign. Review status: criteria provided, multiple submitters, no conflicts (2 of 4 stars). 2 submissions from 2 submitters: Likely benign (2). Last evaluated 2024-09-01.

Conditions:
KBG syndrome (KBGS). Also called: ANKRD11-Related KBG Syndrome. Identifiers: Orphanet 2332, MedGen C0220687, MONDO:0007846, OMIM 148050.

Allele frequency attached by ClinVar (database versions not stated): gnomAD exomes 0.00002; TOPMed 0.00002; ExAC 0.00003; gnomAD 0.00004 and 0.00005; ESP Exome Variant Server 0.00008.
gnomAD v4.1: 19 of 1,614,134 alleles (0.0012%); highest among the groups gnomAD compares: Middle Eastern, 0.017%; no homozygotes.

Submissions (2):

CeGaT Center for Human Genetics Tuebingen
Classification: Likely benign. Last evaluated: 2024-09-01. Review status: criteria provided, single submitter. Criteria: CeGaT Center For Human Genetics Tuebingen Variant Classification Criteria Version 2. Collection method: clinical testing. Allele origin: germline. Affected: yes. Observed: 1 variant allele.
Comment: ANKRD11: BP4, BP7

Labcorp Genetics (formerly Invitae), Labcorp
Classification: Likely benign for KBG syndrome. Last evaluated: 2022-06-04. Review status: criteria provided, single submitter. Criteria: Invitae Variant Classification Sherloc (09022015). Collection method: clinical testing. Allele origin: germline.